The following is an entry in ClinVar:

ClinVar aggregate classification (germline): Conflicting classifications of pathogenicity. Review status: criteria provided, conflicting classifications (1 of 4 stars). 4 submissions from 4 submitters: Uncertain significance (3); Likely benign (1). Last evaluated 2026-09-01.

Conditions:
3-methylglutaconic aciduria, type VIIB (MGCA7B). Also called: 3-methylglutaconic aciduria with cataracts, neurologic involvement and neutropenia; 3-methylglutaconic aciduria, type VII, with cataracts, neurologic involvement and neutropenia; CLPB Deficiency. Identifiers: Orphanet 445038, MedGen C5676893, MONDO:0014561, OMIM 616271.

Allele frequency attached by ClinVar (database versions not stated): TOPMed 0.00022; gnomAD exomes 0.00024; gnomAD 0.00025 and 0.00026; ExAC 0.00031; ESP Exome Variant Server 0.00069.
gnomAD v4.1: 658 of 1,610,116 alleles (0.041%); highest among the groups gnomAD compares: Non-Finnish European, 0.052%; 1 homozygote.

Submissions (4):

CeGaT Center for Human Genetics Tuebingen
Classification: Likely benign. Last evaluated: 2026-09-01. Review status: criteria provided, single submitter. Criteria: CeGaT Center For Human Genetics Tuebingen Variant Classification Criteria Version 2. Collection method: clinical testing. Allele origin: germline. Affected: yes. Observed: 1 variant allele.
Comment: CLPB: BS1

Labcorp Genetics (formerly Invitae), Labcorp
Classification: Uncertain significance for 3-methylglutaconic aciduria, type VIIB. Last evaluated: 2026-01-24. Review status: criteria provided, single submitter. Criteria: Invitae Variant Classification Sherloc (09022015). Collection method: clinical testing. Allele origin: germline.
Comment: This sequence change replaces arginine, which is basic and polar, with tryptophan, which is neutral and slightly polar, at codon 327 of the CLPB protein (p.Arg327Trp). This variant is present in population databases (rs148534573, gnomAD 0.04%). This missense change has been observed in individual(s) with severe congenital neutropenia (PMID: 34115842). ClinVar contains an entry for this variant (Variation ID: 542777). An algorithm developed to predict the effect of missense changes on protein structure and function (PolyPhen-2) suggests that this variant is likely to be disruptive. Experimental studies have shown that this missense change does not substantially affect CLPB function (PMID: 34115842). In summary, the available evidence is currently insufficient to determine the role of this variant in disease. Therefore, it has been classified as a Variant of Uncertain Significance.

Mayo Clinic Laboratories, Mayo Clinic
Classification: Uncertain significance. Last evaluated: 2025-10-27. Review status: criteria provided, single submitter. Criteria: ACMG Guidelines, 2015. Collection method: clinical testing. Allele origin: germline. Observed: 2 variant alleles.
Comment: BP4

Blueprint Genetics
Classification: Uncertain significance. Last evaluated: 2024-11-15. Review status: criteria provided, single submitter. Criteria: ACMG Guidelines, 2015. Collection method: clinical testing. Allele origin: germline.

Literature cited by the submitters: PubMed 34115842 (cited by Labcorp Genetics (formerly Invitae), Labcorp and Mayo Clinic Laboratories, Mayo Clinic).

NM_001258392.3(CLPB):c.889C>T (p.Arg297Trp)

Gene: CLPB (ClpB family mitochondrial disaggregase; minus strand). Cytogenetic location: 11q13.4.
Variant type: single nucleotide variant.
Coding change: c.889C>T on transcript NM_001258392.3 (MANE Select); coding-DNA position 889, C replaced by T.
Protein change: p.Arg297Trp; replaces arginine 297 with tryptophan.
Molecular consequence: missense variant.
Genome position (GRCh38, 1-based): chr11:72,317,205, G>A on the plus strand (C>T on the coding strand, the complement: CLPB is on the minus strand). VCF-style: chr11-72317205-G-A. GRCh37 (hg19) VCF-style: chr11-72028249-G-A.
Other names: p.Arg327Trp; c.802C>T, p.Arg268Trp (NM_001258393.3); c.844C>T, p.Arg282Trp (NM_001258394.3); c.979C>T, p.Arg327Trp (NM_030813.6); short protein forms R327W, R297W, R282W, R268W.
Identifiers: ClinVar variation 542777 (VCV000542777.12), dbSNP rs148534573, ClinGen allele CA6171339.